The following is an entry in ClinVar:

NM_000059.4(BRCA2):c.8332-1603T>G

Gene: BRCA2 (BRCA2 DNA repair associated; plus strand). Cytogenetic location: 13q13.1.
Variant type: single nucleotide variant.
Coding change: c.8332-1603T>G on transcript NM_000059.4 (MANE Select); 1603 bases into the intron before coding-DNA position 8332, T replaced by G.
Molecular consequence: intron variant.
Genome position (GRCh38, 1-based): chr13:32,368,799, T>G. VCF-style: chr13-32368799-T-G. GRCh37 (hg19) VCF-style: chr13-32942936-T-G.
Identifiers: ClinVar variation 264975 (VCV000264975.1), dbSNP rs12869093, ClinGen allele CA10588137.
Genomic context (GRCh38, chr13:32,368,799, plus strand): 5'-ATTGTCAGTGTAAGAATTTTATTTCAGTTTGTTGTTTGTTGTTTGTTTTTTGTTTTTTTG[T>G]TTTTTTTTTGGTTTTTTTTGTTTTTTTTTTAGATGGAGTCTTGCTCTGTTGCCCAGGCTA-3'

ClinVar aggregate classification (germline): Benign (3 of 4 stars; one submission).

Conditions:
Breast-ovarian cancer, familial, susceptibility to, 2 (BROVCA2). Also called: BRCA2 Hereditary Breast and Ovarian Cancer. Identifiers: Orphanet 145, MedGen C2675520, MONDO:0012933, OMIM 612555. Disease mechanism: loss of function.

Allele frequency attached by ClinVar (database versions not stated): 1000 Genomes Project 0.04153; gnomAD 0.27874 and 0.28698.
gnomAD v4.1: 11,349 of 40,620 alleles (28%); highest among the groups gnomAD compares: Non-Finnish European, 33%; 572 homozygotes.

Submission:

Evidence-based Network for the Interpretation of Germline Mutant Alleles (ENIGMA)
Classification: Benign for Breast-ovarian cancer, familial, susceptibility to, 2. Last evaluated: 2016-09-28. Review status: reviewed by expert panel. Criteria: ENIGMA BRCA1/2 Classification Criteria (2015). Collection method: curation. Allele origin: germline.
Comment: Class 1 not pathogenic based on frequency >1% in an outbred sampleset. Frequency 0.1103 (European), 0.0174 (African), 0.0764 (Admixed American/Latino), 0.0184 (South Asian), derived from 1000 genomes (2013-05-02).